The following is an entry in ClinVar:

NM_005529.7(HSPG2):c.10110G>T (p.Lys3370Asn)

Gene: HSPG2 (heparan sulfate proteoglycan 2; minus strand). Cytogenetic location: 1p36.12.
Variant type: single nucleotide variant.
Coding change: c.10110G>T on transcript NM_005529.7 (MANE Select); coding-DNA position 10110, G replaced by T.
Protein change: p.Lys3370Asn; replaces lysine 3370 with asparagine.
Molecular consequence: missense variant.
Genome position (GRCh38, 1-based): chr1:21,838,865, C>A on the plus strand (G>T on the coding strand, the complement: HSPG2 is on the minus strand). VCF-style: chr1-21838865-C-A. GRCh37 (hg19) VCF-style: chr1-22165358-C-A.
Other names: c.10113G>T, p.Lys3371Asn (NM_001291860.2); short protein forms K3371N, K3370N.
Identifiers: ClinVar variation 1380334 (VCV001380334.6), dbSNP rs141963344, ClinGen allele CA670227.

ClinVar aggregate classification (germline): Uncertain significance (1 of 4 stars; one submission).

gnomAD v4.1: 1 of 1,612,734 alleles (0.000062%); highest among the groups gnomAD compares: African/African-American, 0.0013%; no homozygotes.

Submission:

Labcorp Genetics (formerly Invitae), Labcorp
Classification: Uncertain significance. Last evaluated: 2021-09-16. Review status: criteria provided, single submitter. Criteria: Invitae Variant Classification Sherloc (09022015). Collection method: clinical testing. Allele origin: germline.
Comment: This sequence change replaces lysine with asparagine at codon 3370 of the HSPG2 protein (p.Lys3370Asn). The lysine residue is weakly conserved and there is a moderate physicochemical difference between lysine and asparagine. This variant is present in population databases (rs141963344, ExAC 0.01%). In summary, the available evidence is currently insufficient to determine the role of this variant in disease. Therefore, it has been classified as a Variant of Uncertain Significance. Algorithms developed to predict the effect of missense changes on protein structure and function are either unavailable or do not agree on the potential impact of this missense change (SIFT: "Tolerated"; PolyPhen-2: "Possibly Damaging"; Align-GVGD: "Class C0"). This variant has not been reported in the literature in individuals affected with HSPG2-related conditions.